The following is an entry in ClinVar:

ClinVar aggregate classification (germline): Uncertain significance. Review status: criteria provided, multiple submitters, no conflicts (2 of 4 stars). 2 submissions from 2 submitters: Uncertain significance (2). Last evaluated 2022-01-19.

Conditions:
Beckwith-Wiedemann syndrome (BWS). Also called: Exomphalos macroglossia gigantism syndrome; EMG SYNDROME. Identifiers: Orphanet 116, MedGen C0004903, MONDO:0007534, OMIM 130650.

Submissions (2):

GeneDx
Classification: Uncertain significance. Last evaluated: 2022-01-19. Review status: criteria provided, single submitter. Criteria: GeneDx Variant Classification Process June 2021. Collection method: clinical testing. Allele origin: germline. Affected: yes.
Comment: Not observed at significant frequency in large population cohorts (gnomAD); In silico analysis supports that this missense variant does not alter protein structure/function; Has not been previously published as pathogenic or benign to our knowledge

Labcorp Genetics (formerly Invitae), Labcorp
Classification: Uncertain significance for Beckwith-Wiedemann syndrome. Last evaluated: 2021-01-28. Review status: criteria provided, single submitter. Criteria: Invitae Variant Classification Sherloc (09022015). Collection method: clinical testing. Allele origin: germline.
Comment: In summary, the available evidence is currently insufficient to determine the role of this variant in disease. Therefore, it has been classified as a Variant of Uncertain Significance. Algorithms developed to predict the effect of missense changes on protein structure and function (SIFT, PolyPhen-2, Align-GVGD) all suggest that this variant is likely to be tolerated, but these predictions have not been confirmed by published functional studies and their clinical significance is uncertain. This variant has not been reported in the literature in individuals with CDKN1C-related conditions. The frequency data for this variant in the population databases is considered unreliable, as metrics indicate insufficient coverage at this position in the ExAC database. This sequence change replaces glutamic acid with aspartic acid at codon 120 of the CDKN1C protein (p.Glu120Asp). The glutamic acid residue is weakly conserved and there is a small physicochemical difference between glutamic acid and aspartic acid.

NM_001122630.2(CDKN1C):c.327G>C (p.Glu109Asp)

Gene: CDKN1C (cyclin dependent kinase inhibitor 1C; minus strand). Cytogenetic location: 11p15.4.
Variant type: single nucleotide variant.
Coding change: c.327G>C on transcript NM_001122630.2 (MANE Select); coding-DNA position 327, G replaced by C.
Protein change: p.Glu109Asp; replaces glutamic acid 109 with aspartic acid.
Molecular consequence: missense variant. On other transcripts: intron variant (1).
Genome position (GRCh38, 1-based): chr11:2,885,130, C>G on the plus strand (G>C on the coding strand, the complement: CDKN1C is on the minus strand). VCF-style: chr11-2885130-C-G. GRCh37 (hg19) VCF-style: chr11-2906360-C-G.
Other names: c.360G>C, p.Glu120Asp (NM_000076.2, NM_001362474.2); c.327G>C, p.Glu109Asp (NM_001122631.2); c.255+72G>C (NM_001362475.2); short protein forms E109D, E120D.
Identifiers: ClinVar variation 1003747 (VCV001003747.10), dbSNP rs1848962147, ClinGen allele CA379146860.